The following is an entry in ClinVar:

NM_000444.6(PHEX):c.229T>A (p.Cys77Ser)

Gene: PHEX (phosphate regulating endopeptidase X-linked; plus strand). Cytogenetic location: Xp22.11.
Variant type: single nucleotide variant.
Coding change: c.229T>A on transcript NM_000444.6 (MANE Select); coding-DNA position 229, T replaced by A.
Protein change: p.Cys77Ser; replaces cysteine 77 with serine.
Molecular consequence: missense variant.
Genome position (GRCh38, 1-based): chrX:22,047,091, T>A. VCF-style: chrX-22047091-T-A. GRCh37 (hg19) VCF-style: chrX-22065209-T-A.
Other names: c.229T>A, p.Cys77Ser (NM_001282754.2); short protein forms C77S.
Identifiers: ClinVar variation 1343086 (VCV001343086.3), dbSNP rs2146987697, ClinGen allele CA412567574.

ClinVar aggregate classification (germline): Likely pathogenic (1 of 4 stars; one submission).

Conditions:
Hypophosphatemic rickets. Identifiers: MedGen C1704375, MeSH D063730, MONDO:0024300, HP:0004912.

Submission:

Laboratory of Cyto-molecular Genetics, Department of Anatomy, All India Institute of Medical Sciences (AIIMS), New Delhi
Classification: Likely pathogenic for Hypophosphatemic rickets. Last evaluated: 2022-03-07. Review status: criteria provided, single submitter. Criteria: ACMG Guidelines, 2015. Collection method: clinical testing. Allele origin: germline. Affected: yes. Observed: 2 variant alleles.
Comment: p.(Cys77Ser); missense variant

Literature cited by the submitters: PubMed 35738466.